The following is an entry in ClinVar:

NM_001369.3(DNAH5):c.3397-8G>T

Genes: DNAH5 (dynein axonemal heavy chain 5; minus strand), DNAH5-AS1 (DNAH5 antisense RNA 1; plus strand). Cytogenetic location: 5p15.2.
Variant type: single nucleotide variant.
Coding change: c.3397-8G>T on transcript NM_001369.3 (MANE Select); 8 bases into the intron before coding-DNA position 3397, G replaced by T.
Molecular consequence: intron variant.
Genome position (GRCh38, 1-based): chr5:13,871,773, C>A on the plus strand (G>T on the coding strand, the complement: DNAH5 is on the minus strand). VCF-style: chr5-13871773-C-A. GRCh37 (hg19) VCF-style: chr5-13871882-C-A.
Identifiers: ClinVar variation 700111 (VCV000700111.16), dbSNP rs200694593, ClinGen allele CA3204279.

ClinVar aggregate classification (germline): Conflicting classifications of pathogenicity. Review status: criteria provided, conflicting classifications (1 of 4 stars). 3 submissions from 3 submitters: Uncertain significance (1); Likely benign (2). Last evaluated 2025-06-29.

Conditions:
Primary ciliary dyskinesia. Also called: Ciliary dyskinesia. Identifiers: Orphanet 244, MedGen C0008780, MONDO:0016575, HP:0012265.
Primary ciliary dyskinesia 3. Identifiers: Orphanet 244, MedGen C1837618, MONDO:0012085, OMIM 608644.
DNAH5-related disorder. Also called: DNAH5-related condition.

Allele frequency attached by ClinVar (database versions not stated): 1000 Genomes Project 30x 0.00031; ExAC 0.00003; gnomAD exomes 0.00003; ESP Exome Variant Server 0.00008; TOPMed 0.00009; gnomAD 0.00011; 1000 Genomes Project 0.00020.
gnomAD v4.1: 31 of 1,610,316 alleles (0.0019%); highest among the groups gnomAD compares: African/African-American, 0.041%; no homozygotes.

Submissions (3):

PreventionGenetics, part of Exact Sciences
Classification: Likely benign for DNAH5-related condition. Last evaluated: 2025-06-29. Review status: criteria provided, single submitter. Criteria: ACMG Guidelines, 2015. Collection method: clinical testing. Allele origin: germline.
Comment: This variant is classified as likely benign based on ACMG/AMP sequence variant interpretation guidelines (Richards et al. 2015 PMID: 25741868, with internal and published modifications).

Labcorp Genetics (formerly Invitae), Labcorp
Classification: Likely benign for Primary ciliary dyskinesia. Last evaluated: 2024-02-01. Review status: criteria provided, single submitter. Criteria: Invitae Variant Classification Sherloc (09022015). Collection method: clinical testing. Allele origin: germline.

Illumina Laboratory Services, Illumina
Classification: Uncertain significance for Primary ciliary dyskinesia 3. Last evaluated: 2018-01-12. Review status: criteria provided, single submitter. Criteria: ICSL Variant Classification Criteria 13 December 2019. Collection method: clinical testing. Allele origin: germline.